The following is an entry in ClinVar:

NC_000009.11:g.(?_133901652)_(133914655_?)del

Gene: LAMC3 (laminin subunit gamma 3; plus strand). Cytogenetic location: 9q34.12.
Variant type: Deletion.
Identifiers: ClinVar variation 2425484 (VCV002425484.4).

ClinVar aggregate classification (germline): Pathogenic (1 of 4 stars; one submission).

Submission:

Labcorp Genetics (formerly Invitae), Labcorp
Classification: Pathogenic. Last evaluated: 2022-09-27. Review status: criteria provided, single submitter. Criteria: Invitae Variant Classification Sherloc (09022015). Collection method: clinical testing. Allele origin: germline.
Comment: This variant has not been reported in the literature in individuals affected with LAMC3-related conditions. This variant is a gross deletion of the genomic region encompassing exon(s) 2-6 of the LAMC3 gene. This deletion is out-of-frame, and is expected to create a premature termination codon and result in an absent or disrupted protein product. Loss-of-function variants in LAMC3 are known to be pathogenic (PMID: 21572413, 26802095). For these reasons, this variant has been classified as Pathogenic.

Literature cited by the submitters: PubMed 21572413; PubMed 26802095.